The following is an entry in ClinVar:

NM_001271.4(CHD2):c.4009G>T (p.Ala1337Ser)

Gene: CHD2 (chromodomain helicase DNA binding protein 2; plus strand). Cytogenetic location: 15q26.1.
Variant type: single nucleotide variant.
Coding change: c.4009G>T on transcript NM_001271.4 (MANE Select); coding-DNA position 4009, G replaced by T.
Protein change: p.Ala1337Ser; replaces alanine 1337 with serine.
Molecular consequence: missense variant.
Genome position (GRCh38, 1-based): chr15:93,000,512, G>T. VCF-style: chr15-93000512-G-T. GRCh37 (hg19) VCF-style: chr15-93543742-G-T.
Other names: short protein forms A1337S.
Identifiers: ClinVar variation 833749 (VCV000833749.12), dbSNP rs776072657, ClinGen allele CA7748354.

ClinVar aggregate classification (germline): Likely benign. Review status: criteria provided, multiple submitters, no conflicts (2 of 4 stars). 2 submissions from 2 submitters: Likely benign (2). Last evaluated 2023-06-13.

Conditions:
Developmental and epileptic encephalopathy 94 (DEE94). Also called: Epileptic encephalopathy, childhood-onset; CHD2-Related Neurodevelopmental Disorders. Identifiers: Orphanet 1942, Orphanet 2382, MedGen C3809278, MONDO:0014150, OMIM 615369.

Allele frequency attached by ClinVar (database versions not stated): TOPMed below 0.00001; gnomAD 0.00001; ExAC 0.00002.
gnomAD v4.1: 29 of 1,604,614 alleles (0.0018%); highest among the groups gnomAD compares: Middle Eastern, 0.05%; no homozygotes.

Submissions (2):

Labcorp Genetics (formerly Invitae), Labcorp
Classification: Likely benign for Developmental and epileptic encephalopathy 94. Last evaluated: 2023-06-13. Review status: criteria provided, single submitter. Criteria: Invitae Variant Classification Sherloc (09022015). Collection method: clinical testing. Allele origin: germline.

GeneDx
Classification: Likely benign. Last evaluated: 2020-08-25. Review status: criteria provided, single submitter. Criteria: GeneDx Variant Classification Process June 2021. Collection method: clinical testing. Allele origin: germline. Affected: yes.
Comment: This variant is associated with the following publications: (PMID: 25783594)